The following is an entry in ClinVar:

NM_004360.5(CDH1):c.-50CGACC[3]

Genes: CDH1 (cadherin 1; plus strand), LOC130059290 (ATAC-STARR-seq lymphoblastoid silent region 7650; plus strand). Cytogenetic location: 16q22.1.
Variant type: Microsatellite.
Coding change: c.-50CGACC[3] on transcript NM_004360.5 (MANE Select); three copies in a row of the 5-base unit CGACC starting at c.-50; the reference has two copies in a row; one copy, 5 bases duplicated.
Molecular consequence: 5 prime UTR variant.
Genome position (GRCh38, 1-based): chr16:68,737,371-68,737,375, CGACC duplicated; duplicating any 5 consecutive bases within chr16:68,737,364-68,737,375 gives the same sequence; the position shown is the placement nearest the transcript's 3' end. VCF-style (leftmost placement, unchanged base first): chr16-68737363-G-GCCCGA. GRCh37 (hg19) VCF-style: chr16-68771266-G-GCCCGA.
Other names: c.-50CGACC[3] (NM_001317184.2); c.-1665CGACC[3] (NM_001317185.2); c.-1869CGACC[3] (NM_001317186.2).
Identifiers: ClinVar variation 182374 (VCV000182374.1), dbSNP rs730881651, ClinGen allele CA298936.
Genomic context (GRCh38, chr16:68,737,363, plus strand): 5'-AACTGCAAAGCACCTGTGAGCTTGCGGAAGTCAGTTCAGACTCCAGCCCGCTCCAGCCCG[G>GCCCGA]CCCGACCCGACCGCACCCGGCGCCTGCCCTCGCTCGGCGTCCCCGGCCAGCCATGGGCCC-3'

ClinVar aggregate classification (germline): Likely benign (1 of 4 stars; one submission).

Submission:

GeneDx
Classification: Likely benign. Last evaluated: 2017-11-07. Review status: criteria provided, single submitter. Criteria: GeneDx Variant Classification (06012015). Collection method: clinical testing. Allele origin: germline. Affected: yes.
Comment: This variant is considered likely benign or benign based on one or more of the following criteria: it is a conservative change, it occurs at a poorly conserved position in the protein, it is predicted to be benign by multiple in silico algorithms, and/or has population frequency not consistent with disease.